The following is an entry in ClinVar:

ClinVar aggregate classification (germline): Pathogenic (1 of 4 stars; one submission).

Conditions:
Neurofibromatosis, type 1 (NF1). Also called: Neurofibromatosis, type I; VON RECKLINGHAUSEN DISEASE; NEUROFIBROMATOSIS, TYPE I, SOMATIC; Peripheral type neurofibromatosis. Identifiers: Orphanet 636, MedGen C0027831, MONDO:0018975, OMIM 162200. Disease mechanism: loss of function.

Submission:

Labcorp Genetics (formerly Invitae), Labcorp
Classification: Pathogenic for Neurofibromatosis, type 1. Last evaluated: 2025-01-12. Review status: criteria provided, single submitter. Criteria: Invitae Variant Classification Sherloc (09022015). Collection method: clinical testing. Allele origin: germline.
Comment: This sequence change creates a premature translational stop signal (p.Leu1638Serfs*39) in the NF1 gene. It is expected to result in an absent or disrupted protein product. Loss-of-function variants in NF1 are known to be pathogenic (PMID: 10712197, 23913538). This variant is not present in population databases (gnomAD no frequency). This premature translational stop signal has been observed in individual(s) with neurofibromatosis 1 (PMID: 23656349, 34080803). ClinVar contains an entry for this variant (Variation ID: 2839337). For these reasons, this variant has been classified as Pathogenic.

Literature cited by the submitters: PubMed 10712197; PubMed 23913538; PubMed 23656349; PubMed 34080803.

NM_001042492.3(NF1):c.4971del (p.Leu1659fs)

Gene: NF1 (neurofibromin 1; plus strand). Cytogenetic location: 17q11.2.
Variant type: Deletion.
Coding change: c.4971del on transcript NM_001042492.3 (MANE Select); coding-DNA position 4971, one base deleted (C; older notation c.4971delC).
Protein change: p.Leu1659fs; shifts the reading frame from leucine 1659.
Molecular consequence: frameshift variant.
Genome position (GRCh38, 1-based): chr17:31,325,955, C deleted. VCF-style (leftmost placement, unchanged base first): chr17-31325954-AC-A. GRCh37 (hg19) VCF-style: chr17-29652972-AC-A.
Other names: c.4908delC, p.Leu1638Serfs (NM_000267.4); short protein forms L1659fs, L1638fs.
Identifiers: ClinVar variation 2839337 (VCV002839337.3), dbSNP rs2508695634, ClinGen allele CA2739267455.
Genomic context (GRCh38, chr17:31,325,954, plus strand): 5'-AGCCATATGAAATTGTAGTGGACCTTACCCATACCGGGCCTAGCAATCGCTTTAAAACAG[AC>A]TTTCTCTCTAAGTGGTTTGTTGTTTTTCCTGGCTTTGCTTACGACAACGTCTCCGCAGTC-3'